The following is an entry in ClinVar:

NM_020831.6(MRTFA):c.1864G>A (p.Asp622Asn)

Gene: MRTFA (myocardin related transcription factor A; minus strand). Cytogenetic location: 22q13.1.
Variant type: single nucleotide variant.
Coding change: c.1864G>A on transcript NM_020831.6 (MANE Select); coding-DNA position 1864, G replaced by A.
Protein change: p.Asp622Asn; replaces aspartic acid 622 with asparagine.
Molecular consequence: missense variant.
Genome position (GRCh38, 1-based): chr22:40,418,874, C>T on the plus strand (G>A on the coding strand, the complement: MRTFA is on the minus strand). VCF-style: chr22-40418874-C-T. GRCh37 (hg19) VCF-style: chr22-40814878-C-T.
Other names: c.1564G>A (NM_020831.4, NM_020831.3); c.1564G>A, p.Asp522Asn (NM_001282660.2); c.1714G>A, p.Asp572Asn (NM_001282661.3); c.1864G>A, p.Asp622Asn (NM_001282662.3); c.1669G>A, p.Asp557Asn (NM_001318139.2); short protein forms D522N, D557N, D572N, D622N.
Identifiers: ClinVar variation 1683027 (VCV001683027.10), dbSNP rs201308820, ClinGen allele CA10249513.
Genomic context (GRCh38, chr22:40,418,874, plus strand): 5'-GGAGCATGCGCGTCAGCGCCTCGATCTGCTTGTCTTTCTCCTGCAGCATCTGGTCCTTGT[C>T]GCGCCCCTCTAGCTCCGCCCGCCCCCCAGGGCTCAGGCAACAGGACCCGGCCCGGGGGCC-3'
Protein context (NP_065882.2, residues 612-632): PGGRAELEGR[Asp622Asn]KDQMLQEKDK

ClinVar aggregate classification (germline): Uncertain significance. Review status: criteria provided, multiple submitters, no conflicts (2 of 4 stars). 3 submissions from 3 submitters: Uncertain significance (3). Last evaluated 2026-06-06.

Conditions:
MRTFA-related disorder. Also called: MRTFA-related condition.

Allele frequency attached by ClinVar (database versions not stated): ESP Exome Variant Server 0.00031.
gnomAD v4.1: 461 of 1,612,400 alleles (0.029%); highest among the groups gnomAD compares: Non-Finnish European, 0.034%; 1 homozygote.

Submissions (3):

PreventionGenetics, part of Exact Sciences
Classification: Uncertain significance for MRTFA-related condition. Last evaluated: 2026-06-06. Review status: criteria provided, single submitter. Criteria: ACMG Guidelines, 2015. Collection method: clinical testing. Allele origin: germline.
Comment: The MRTFA c.1564G>A variant is predicted to result in the amino acid substitution p.Asp522Asn. To our knowledge, this variant has not been reported in the literature. This variant is reported in 0.054% of alleles in individuals of European (Non-Finnish) descent in gnomAD, including 1 homozygote in gnomAD v4. Although we suspect that this variant may be benign, at this time, the clinical significance of this variant is uncertain due to the absence of conclusive functional and genetic evidence.

Labcorp Genetics (formerly Invitae), Labcorp
Classification: Uncertain significance. Last evaluated: 2025-10-11. Review status: criteria provided, single submitter. Criteria: Invitae Variant Classification Sherloc (09022015). Collection method: clinical testing. Allele origin: germline.
Comment: This sequence change replaces aspartic acid, which is acidic and polar, with asparagine, which is neutral and polar, at codon 522 of the MKL1 protein (p.Asp522Asn). This variant is present in population databases (rs201308820, gnomAD 0.05%), and has an allele count higher than expected for a pathogenic variant. This variant has not been reported in the literature in individuals affected with MKL1-related conditions. ClinVar contains an entry for this variant (Variation ID: 1683027). An algorithm developed to predict the effect of missense changes on protein structure and function (PolyPhen-2) suggests that this variant is likely to be disruptive. In summary, the available evidence is currently insufficient to determine the role of this variant in disease. Therefore, it has been classified as a Variant of Uncertain Significance.

Ambry Genetics
Classification: Uncertain significance. Last evaluated: 2025-08-12. Review status: criteria provided, single submitter. Criteria: Ambry Variant Classification Scheme 2023. Collection method: clinical testing. Allele origin: germline.